The following is an entry in ClinVar:

ClinVar aggregate classification (germline): Pathogenic (1 of 4 stars; one submission).

Submission:

Labcorp Genetics (formerly Invitae), Labcorp
Classification: Pathogenic. Last evaluated: 2025-05-07. Review status: criteria provided, single submitter. Criteria: Invitae Variant Classification Sherloc (09022015). Collection method: clinical testing. Allele origin: germline.
Comment: This sequence change affects a donor splice site in intron 9 of the OPA1 gene. It is expected to disrupt RNA splicing. Variants that disrupt the donor or acceptor splice site typically lead to a loss of protein function (PMID: 16199547), and loss-of-function variants in OPA1 are known to be pathogenic (PMID: 11440988, 20157015, 20952381, 25012220). This variant is not present in population databases (gnomAD no frequency). Disruption of this splice site has been observed in individuals with optic atrophy (PMID: 34242285; internal data). Algorithms developed to predict the effect of sequence changes on RNA splicing suggest that this variant may disrupt the consensus splice site. For these reasons, this variant has been classified as Pathogenic.

Literature cited by the submitters: PubMed 16199547; PubMed 11440988; PubMed 20157015; PubMed 20952381; PubMed 25012220; PubMed 34242285.

NM_130837.3(OPA1):c.1149+2T>G

Gene: OPA1 (OPA1 mitochondrial dynamin like GTPase; plus strand). Cytogenetic location: 3q29.
Variant type: single nucleotide variant.
Coding change: c.1149+2T>G on transcript NM_130837.3 (MANE Select); the canonical splice donor site of the intron after coding-DNA position 1149, T replaced by G.
Molecular consequence: splice donor variant.
Genome position (GRCh38, 1-based): chr3:193,638,067, T>G. VCF-style: chr3-193638067-T-G. GRCh37 (hg19) VCF-style: chr3-193355856-T-G.
Other names: c.612+2T>G (NM_001354664.2); c.615+2T>G (NM_001354663.2); c.1038+2T>G (NM_130834.3); c.1095+2T>G (NM_130836.3); c.984+2T>G (NM_015560.3); c.1041+2T>G (NM_130835.3); c.930+2T>G (NM_130832.3); c.987+2T>G (NM_130833.3); and 1 more.
Identifiers: ClinVar variation 4719188 (VCV004719188.1).
Genomic context (GRCh38, chr3:193,638,067, plus strand): 5'-CCCAAGCTCGAATATTCCCAAGAGGATCTGGGGAGATGATGACACGTTCTCCAGTTAAGG[T>G]AAGAACATAGGCCGTCTCAGTGAGGTTCCTTAGGAGAGTAACTGCTTCAGTGAGACCTGT-3'